The following is an entry in ClinVar:

ClinVar aggregate classification (germline): Uncertain significance (1 of 4 stars; one submission).

Conditions:
Psoriasis 2. Identifiers: MedGen C1864497, MONDO:0011269, OMIM 602723.
Pityriasis rubra pilaris (PRP). Also called: Pityriasis rubra pilaris--familial type. Identifiers: Orphanet 2897, MedGen C0032027, MONDO:0100017, OMIM 173200, MONDO:0008251.

Allele frequency attached by ClinVar (database versions not stated): gnomAD exomes below 0.00001.
gnomAD v4.1: 1 of 1,605,532 alleles (0.000062%); highest among the groups gnomAD compares: Non-Finnish European, 0.000085%; no homozygotes.

Submission:

Labcorp Genetics (formerly Invitae), Labcorp
Classification: Uncertain significance for Pityriasis rubra pilaris; Psoriasis 2. Last evaluated: 2020-11-20. Review status: criteria provided, single submitter. Criteria: Invitae Variant Classification Sherloc (09022015). Collection method: clinical testing. Allele origin: germline.
Comment: Algorithms developed to predict the effect of missense changes on protein structure and function are either unavailable or do not agree on the potential impact of this missense change (SIFT: "Deleterious"; PolyPhen-2: "Possibly Damaging"; Align-GVGD: "Class C0"). This variant has not been reported in the literature in individuals with CARD14-related conditions. This variant is not present in population databases (ExAC no frequency). This sequence change replaces aspartic acid with glycine at codon 991 of the CARD14 protein (p.Asp991Gly). The aspartic acid residue is highly conserved and there is a moderate physicochemical difference between aspartic acid and glycine. In summary, the available evidence is currently insufficient to determine the role of this variant in disease. Therefore, it has been classified as a Variant of Uncertain Significance.

NM_001366385.1(CARD14):c.2972A>G (p.Asp991Gly)

Genes: CARD14 (caspase recruitment domain family member 14; plus strand), SGSH (N-sulfoglucosamine sulfohydrolase; minus strand). Cytogenetic location: 17q25.3.
Variant type: single nucleotide variant.
Coding change: c.2972A>G on transcript NM_001366385.1 (MANE Select); coding-DNA position 2972, A replaced by G.
Protein change: p.Asp991Gly; replaces aspartic acid 991 with glycine.
Molecular consequence: missense variant. On other transcripts: non-coding transcript variant (1).
Genome position (GRCh38, 1-based): chr17:80,208,302, A>G. VCF-style: chr17-80208302-A-G. GRCh37 (hg19) VCF-style: chr17-78182101-A-G.
Other names: c.2972A>G, p.Asp991Gly (NM_024110.4); short protein forms D991G.
Identifiers: ClinVar variation 1501626 (VCV001501626.8), dbSNP rs2144640992, ClinGen allele CA401357752.